The following is an entry in ClinVar:

ClinVar aggregate classification (germline): Uncertain significance (1 of 4 stars; one submission).

Allele frequency attached by ClinVar (database versions not stated): gnomAD exomes below 0.00001; ExAC 0.00001; gnomAD 0.00001; TOPMed 0.00002.

Submission:

Labcorp Genetics (formerly Invitae), Labcorp
Classification: Uncertain significance. Last evaluated: 2022-09-12. Review status: criteria provided, single submitter. Criteria: Invitae Variant Classification Sherloc (09022015). Collection method: clinical testing. Allele origin: germline.
Comment: This sequence change replaces alanine, which is neutral and non-polar, with proline, which is neutral and non-polar, at codon 320 of the UBA5 protein (p.Ala320Pro). This variant is present in population databases (rs760372318, gnomAD 0.0009%). This variant has not been reported in the literature in individuals affected with UBA5-related conditions. ClinVar contains an entry for this variant (Variation ID: 1400094). Algorithms developed to predict the effect of missense changes on protein structure and function are either unavailable or do not agree on the potential impact of this missense change (SIFT: "Not Available"; PolyPhen-2: "Benign"; Align-GVGD: "Not Available"). In summary, the available evidence is currently insufficient to determine the role of this variant in disease. Therefore, it has been classified as a Variant of Uncertain Significance.

NM_024818.6(UBA5):c.958G>C (p.Ala320Pro)

Genes: NPHP3-ACAD11 (NPHP3-ACAD11 readthrough (NMD candidate); minus strand), UBA5 (ubiquitin like modifier activating enzyme 5; plus strand). Cytogenetic location: 3q22.1.
Variant type: single nucleotide variant.
Coding change: c.958G>C on transcript NM_024818.6 (MANE Select); coding-DNA position 958, G replaced by C.
Protein change: p.Ala320Pro; replaces alanine 320 with proline.
Molecular consequence: missense variant.
Genome position (GRCh38, 1-based): chr3:132,675,614, G>C. VCF-style: chr3-132675614-G-C. GRCh37 (hg19) VCF-style: chr3-132394458-G-C.
Other names: c.790G>C, p.Ala264Pro (NM_001320210.2, NM_198329.4); c.688G>C, p.Ala230Pro (NM_001321238.2); c.622G>C, p.Ala208Pro (NM_001321239.1); short protein forms A208P, A264P, A320P, A230P.
Identifiers: ClinVar variation 1400094 (VCV001400094.3), dbSNP rs760372318, ClinGen allele CA2621497.
Genomic context (GRCh38, chr3:132,675,614, plus strand): 5'-TAGAGAACTGAGAATGAGTAAGAACACTTTGATGCTGTTTGATTTCTACAGAAAAAGGTA[G>C]CAGCACTGCCTAAACAAGAGGTTATACAAGAAGAGGAAGAGATAATCCATGAAGATAATG-3'
Protein context (NP_079094.1, residues 310-330): KQQEEYKKKV[Ala320Pro]ALPKQEVIQE